The following is an entry in ClinVar:

ClinVar aggregate classification (germline): Pathogenic/Likely pathogenic. Review status: criteria provided, multiple submitters, no conflicts (2 of 4 stars). 5 submissions from 5 submitters: Pathogenic (3); Likely pathogenic (1). 1 of the submissions does not count toward it. Last evaluated 2025-12-01.

Conditions:
Fanconi anemia (FA). Also called: Fanconi's anemia. Identifiers: Orphanet 84, MedGen C0015625, MeSH D005199, MONDO:0019391.
Fanconi anemia complementation group A (FANCA). Also called: Fanconi anemia, group A; FANCA-Related Fanconi Anemia. Identifiers: Orphanet 84, MedGen C3469521, MONDO:0009215, OMIM 227650.

Allele frequency attached by ClinVar (database versions not stated): TOPMed 0.00001.

Submissions (5):

Labcorp Genetics (formerly Invitae), Labcorp
Classification: Pathogenic for Fanconi anemia. Last evaluated: 2025-12-01. Review status: criteria provided, single submitter. Criteria: Invitae Variant Classification Sherloc (09022015). Collection method: clinical testing. Allele origin: germline.
Comment: This sequence change affects the initiator codon of the FANCA mRNA. This change may impact translation initiation or efficiency. The next in-frame methionine is located at codon 116. The frequency data for this variant in the population databases is considered unreliable, as metrics indicate poor data quality at this position in the gnomAD database. Disruption of the initiator codon has been observed in individuals with Fanconi anemia (PMID: 10090479, 15643609, 16084127, 22778927, 23898106, 24584348). ClinVar contains an entry for this variant (Variation ID: 556239). For these reasons, this variant has been classified as Pathogenic.

Myriad Genetics, Inc.
Classification: Likely pathogenic for Fanconi anemia complementation group A. Last evaluated: 2025-03-05. Review status: criteria provided, single submitter. Criteria: Myriad Autosomal Dominant, Autosomal Recessive and X-Linked Classification Criteria (2023). Collection method: clinical testing. Allele origin: unknown.
Comment: NM_000135.2(FANCA):c.2T>A(M1?) is an initiation codon variant classified as likely pathogenic in the context of Fanconi anemia complementation group A. c.2T>A has been observed in a case with relevant disease (PMID: 31130284). Relevant functional assessments of this variant are not available in the literature. c.2T>A has been observed in referenced population frequency databases. In summary, NM_000135.2(FANCA):c.2T>A(M1?) is an initiation codon variant in a gene where loss of function is a known mechanism of disease, is predicted to disrupt protein function, and has been observed more frequently in cases with the relevant disease than in healthy populations. Please note: this variant was assessed in the context of healthy population screening.

Women's Health and Genetics/Laboratory Corporation of America, LabCorp
Classification: Pathogenic for Fanconi anemia. Last evaluated: 2025-02-13. Review status: criteria provided, single submitter. Criteria: LabCorp Variant Classification Summary - May 2015. Collection method: clinical testing. Allele origin: germline.
Comment: Variant summary: FANCA c.2T>A (p.Met1Lys) alters the initiation codon and is predicted to result either in absence of the protein or truncation of the encoded protein due to translation initiation at a downstream codon. The next downstream Met is p.Met116. A different start-lost variant has been classified as Pathogenic by Labcorp (p.Met1Thr (c.2T>C)). Two of two in-silico tools predict a damaging effect of the variant on protein function. The variant allele was found at a frequency of 8.3e-06 in 120628 control chromosomes. c.2T>A has been reported in the homozygous and compound heterozygous state in the literature in multiple individuals affected with Fanconi Anemia (example, DeRocco_2014, Joshi_2023, Monies_2019). These data indicate that the variant is likely to be associated with disease. To our knowledge, no experimental evidence demonstrating an impact on protein function has been reported. The following publications have been ascertained in the context of this evaluation (PMID: 24584348, 36894310, 31130284). ClinVar contains an entry for this variant (Variation ID: 556239). Based on the evidence outlined above, the variant was classified as pathogenic.

Institute of Medical Genetics and Applied Genomics, University Hospital Tübingen
Classification: Pathogenic for Fanconi anemia complementation group A. Last evaluated: 2023-06-26. Review status: criteria provided, single submitter. Criteria: ACMG Guidelines, 2015. Collection method: clinical testing. Allele origin: germline. Inheritance: Autosomal recessive inheritance. Affected: yes.

Counsyl
Classification: Likely pathogenic for Fanconi anemia complementation group A. Last evaluated: 2018-01-22. Review status: no assertion criteria provided. Collection method: clinical testing. Allele origin: unknown. Not counted in ClinVar's aggregate classification.

Literature cited by the submitters: PubMed 10090479 (cited by Labcorp Genetics (formerly Invitae), Labcorp); PubMed 15643609 (cited by Labcorp Genetics (formerly Invitae), Labcorp); PubMed 16084127 (cited by Labcorp Genetics (formerly Invitae), Labcorp); PubMed 22778927 (cited by Labcorp Genetics (formerly Invitae), Labcorp); PubMed 23898106 (cited by Labcorp Genetics (formerly Invitae), Labcorp); PubMed 24584348 (cited by 3 submitters); PubMed 31130284 (cited by Myriad Genetics, Inc. and Women's Health and Genetics/Laboratory Corporation of America, LabCorp); PubMed 36894310 (cited by Women's Health and Genetics/Laboratory Corporation of America, LabCorp).

NM_000135.4(FANCA):c.2T>A (p.Met1Lys)

Genes: FANCA (FA complementation group A; minus strand), LOC112486223 (Sharpr-MPRA regulatory region 3988; plus strand). Cytogenetic location: 16q24.3.
Variant type: single nucleotide variant.
Coding change: c.2T>A on transcript NM_000135.4 (MANE Select); coding-DNA position 2, T replaced by A.
Protein change: p.Met1Lys; changes the start codon (methionine 1).
Molecular consequence: missense variant, initiator codon variant.
Genome position (GRCh38, 1-based): chr16:89,816,614, A>T on the plus strand (T>A on the coding strand, the complement: FANCA is on the minus strand). VCF-style: chr16-89816614-A-T. GRCh37 (hg19) VCF-style: chr16-89883022-A-T.
Other names: c.2T>A, p.Met1Lys (NM_001018112.3, NM_001286167.3, NM_001351830.2); c.2T>A (LRG_495t1); short protein forms M1K.
Identifiers: ClinVar variation 556239 (VCV000556239.7), dbSNP rs769479800, ClinGen allele CA397484674.